The following is an entry in ClinVar:

ClinVar aggregate classification (germline): Benign (1 of 4 stars; one submission).

Conditions:
Kindler syndrome (KNDLRS). Also called: Poikiloderma of Kindler; Congenital bullous poikiloderma; BULLOUS ACROKERATOTIC POIKILODERMA OF KINDLER AND WEARY; POIKILODERMA, CONGENITAL, WITH BULLAE, WEARY TYPE; POIKILODERMA, HEREDITARY ACROKERATOTIC; Hereditary acrokeratotic poikiloderma of Weary. Identifiers: Orphanet 2908, Orphanet 306539, MedGen C0406557, MONDO:0008260, OMIM 173650.

Allele frequency attached by ClinVar (database versions not stated): 1000 Genomes Project 30x 0.00656; gnomAD 0.00697 and 0.00742; 1000 Genomes Project 0.00699; TOPMed 0.00765.

Submission:

Illumina Laboratory Services, Illumina
Classification: Benign for Kindler syndrome. Last evaluated: 2017-04-27. Review status: criteria provided, single submitter. Criteria: ICSL Variant Classification Criteria 13 December 2019. Collection method: clinical testing. Allele origin: germline.
Comment: This variant was observed as part of a predisposition screen in an ostensibly healthy population. A literature search was performed for the gene, cDNA change, and amino acid change (where applicable). No publications were found based on this search. Allele frequency data from public databases was too high to be consistent with this variant causing disease. Therefore, this variant is classified as benign.

NM_017671.5(FERMT1):c.*1386A>T

Gene: FERMT1 (FERM domain containing kindlin 1; minus strand). Cytogenetic location: 20p12.3.
Variant type: single nucleotide variant.
Coding change: c.*1386A>T on transcript NM_017671.5 (MANE Select); 1386 bases downstream of the stop codon, A replaced by T.
Molecular consequence: 3 prime UTR variant.
Genome position (GRCh38, 1-based): chr20:6,075,787, T>A on the plus strand (A>T on the coding strand, the complement: FERMT1 is on the minus strand). VCF-style: chr20-6075787-T-A. GRCh37 (hg19) VCF-style: chr20-6056434-T-A.
Identifiers: ClinVar variation 898850 (VCV000898850.4), dbSNP rs144516379, ClinGen allele CA311210111.